The following is an entry in ClinVar:

NM_001399.5(EDA):c.607C>T (p.Pro203Ser)

Gene: EDA (ectodysplasin A; plus strand). Cytogenetic location: Xq13.1.
Variant type: single nucleotide variant.
Coding change: c.607C>T on transcript NM_001399.5 (MANE Select); coding-DNA position 607, C replaced by T.
Protein change: p.Pro203Ser; replaces proline 203 with serine.
Molecular consequence: missense variant.
Genome position (GRCh38, 1-based): chrX:70,027,937, C>T. VCF-style: chrX-70027937-C-T. GRCh37 (hg19) VCF-style: chrX-69247787-C-T.
Other names: c.607C>T, p.Pro203Ser (NM_001005609.2, NM_001005612.3); short protein forms P203S.
Identifiers: ClinVar variation 44203 (VCV000044203.16), dbSNP rs397516671, ClinGen allele CA261501.

ClinVar aggregate classification (germline): Likely pathogenic. Review status: criteria provided, multiple submitters, no conflicts (2 of 4 stars). 3 submissions from 3 submitters: Likely pathogenic (3). Last evaluated 2022-12-20.

Conditions:
EDA-related disorder. Also called: EDA-related condition; EDA-related disorders.
Hypohidrotic X-linked ectodermal dysplasia (XHED). Also called: ECTODERMAL DYSPLASIA, HYPOHIDROTIC, 1; CST SYNDROME; Christ-Siemans-Touraine syndrome; ECTODERMAL DYSPLASIA 1; Ectodermal Dysplasia 1, Anhidrotic; ECTODERMAL DYSPLASIA 1, HYPOHIDROTIC, X-LINKED. Identifiers: Orphanet 181, Orphanet 238468, MedGen C0162359, MONDO:0010585, OMIM 305100.

Submissions (3):

Labcorp Genetics (formerly Invitae), Labcorp
Classification: Likely pathogenic for Hypohidrotic X-linked ectodermal dysplasia. Last evaluated: 2022-12-20. Review status: criteria provided, single submitter. Criteria: Invitae Variant Classification Sherloc (09022015). Collection method: clinical testing. Allele origin: germline.
Comment: This sequence change replaces proline, which is neutral and non-polar, with serine, which is neutral and polar, at codon 203 of the EDA protein (p.Pro203Ser). This variant is not present in population databases (gnomAD no frequency). This variant has not been reported in the literature in individuals affected with EDA-related conditions. ClinVar contains an entry for this variant (Variation ID: 44203). Advanced modeling of protein sequence and biophysical properties (such as structural, functional, and spatial information, amino acid conservation, physicochemical variation, residue mobility, and thermodynamic stability) performed at Invitae indicates that this missense variant is expected to disrupt EDA protein function. This variant disrupts the p.Pro203 amino acid residue in EDA. Other variant(s) that disrupt this residue have been determined to be pathogenic (PMID: 27305980; Invitae). This suggests that this residue is clinically significant, and that variants that disrupt this residue are likely to be disease-causing. In summary, the currently available evidence indicates that the variant is pathogenic, but additional data are needed to prove that conclusively. Therefore, this variant has been classified as Likely Pathogenic.

Blueprint Genetics
Classification: Likely pathogenic for EDA-related disorders. Last evaluated: 2019-01-09. Review status: criteria provided, single submitter. Criteria: ACMG Guidelines, 2015. Collection method: clinical testing. Allele origin: germline. Affected: yes. Observed: 1 variant allele.

Laboratory for Molecular Medicine, Mass General Brigham Personalized Medicine
Classification: Likely pathogenic for Hypohidrotic X-linked ectodermal dysplasia. Last evaluated: 2012-05-18. Review status: criteria provided, single submitter. Criteria: LMM Criteria. Collection method: clinical testing. Allele origin: germline. Inheritance: X-linked inheritance. Observed: 1 variant allele.
Comment: The Pro203Ser variant in EDA has not been reported in the literature nor previou sly identified by our laboratory. Computational analyses (biochemical amino aci d properties, conservation, AlignGVGD, PolyPhen2, and SIFT) suggest that this va riant may impact the protein, though this information is not predictive enough t o determine pathogenicity. Other mutations affecting nearby residues and also af fecting nearby proline residues have been associated to EDA increasing the likel ihood that this mutation is pathogenic. Furthermore, the presence of this mutati on in a patient with features of hypohidrotic ectodermal dysplasia and an X-link ed family history further supports the likelihood that this variant is pathogeni c. In summary, although additional data is needed to fully assess its clinical s ignificance, this variant is more likely pathogenic.

Literature cited by the submitters: PubMed 27305980 (cited by Labcorp Genetics (formerly Invitae), Labcorp).